The following is an entry in ClinVar:

ClinVar aggregate classification (germline): Likely benign (1 of 4 stars; one submission).

gnomAD v4.1: 19 of 1,614,050 alleles (0.0012%); highest among the groups gnomAD compares: Admixed American, 0.02%; no homozygotes.

Submission:

CeGaT Center for Human Genetics Tuebingen
Classification: Likely benign. Last evaluated: 2026-09-01. Review status: criteria provided, single submitter. Criteria: CeGaT Center For Human Genetics Tuebingen Variant Classification Criteria Version 2. Collection method: clinical testing. Allele origin: germline. Affected: yes. Observed: 1 variant allele.
Comment: RRM1: BP4, BP7

NM_001033.5(RRM1):c.1800C>A (p.Ala600=)

Gene: RRM1 (ribonucleotide reductase catalytic subunit M1; plus strand). Cytogenetic location: 11p15.4.
Variant type: single nucleotide variant.
Coding change: c.1800C>A on transcript NM_001033.5 (MANE Select); coding-DNA position 1800, C replaced by A.
Protein change: p.Ala600=; no amino-acid change (alanine 600 retained).
Molecular consequence: synonymous variant.
Genome position (GRCh38, 1-based): chr11:4,132,316, C>A. VCF-style: chr11-4132316-C-A. GRCh37 (hg19) VCF-style: chr11-4153546-C-A.
Other names: c.1509C>A, p.Ala503= (NM_001318064.1); c.786C>A, p.Ala262= (NM_001318065.1); c.1134C>A, p.Ala378= (NM_001330193.1).
Identifiers: ClinVar variation 5041185 (VCV005041185.1).